The following is an entry in ClinVar:

NM_000038.6(APC):c.1167C>T (p.Asn389=)

Gene: APC (APC regulator of Wnt signaling pathway; plus strand). Cytogenetic location: 5q22.2.
Variant type: single nucleotide variant.
Coding change: c.1167C>T on transcript NM_000038.6 (MANE Select); coding-DNA position 1167, C replaced by T.
Protein change: p.Asn389=; no amino-acid change (asparagine 389 retained).
Molecular consequence: synonymous variant. On other transcripts: intron variant (4).
Genome position (GRCh38, 1-based): chr5:112,819,199, C>T. VCF-style: chr5-112819199-C-T. GRCh37 (hg19) VCF-style: chr5-112154896-C-T.
Other names: c.1167C>T, p.Asn389= (NM_001127510.3, NM_001354895.2, NM_001354896.2); c.1113C>T, p.Asn371= (NM_001127511.3); c.1197C>T, p.Asn399= (NM_001354897.2); c.1092C>T, p.Asn364= (NM_001354898.2); c.1083C>T, p.Asn361= (NM_001354899.2); c.990C>T, p.Asn330= (NM_001354900.2, NM_001354901.2); c.318C>T, p.Asn106= (NM_001354906.2); c.964-70C>T (NM_001354902.2); and 3 more.
Identifiers: ClinVar variation 818482 (VCV000818482.14), dbSNP rs1424481501, ClinGen allele CA445960324.

ClinVar aggregate classification (germline): Benign/Likely benign. Review status: criteria provided, multiple submitters, no conflicts (2 of 4 stars). 4 submissions from 4 submitters: Benign (1); Likely benign (3). Last evaluated 2025-12-08.

Conditions:
Hereditary cancer-predisposing syndrome. Also called: Tumor predisposition; Hereditary neoplastic syndrome; Neoplastic Syndromes, Hereditary; Hereditary Cancer Syndrome. Identifiers: Orphanet 140162, MedGen C0027672, MeSH D009386, MONDO:0015356.
Familial adenomatous polyposis 1 (FAP1). Also called: FAMILIAL ADENOMATOUS POLYPOSIS 1, ATTENUATED; POLYPOSIS, ADENOMATOUS INTESTINAL. Identifiers: MedGen C2713442, MONDO:0021056, OMIM 175100. Disease mechanism: loss of function.

Allele frequency attached by ClinVar (database versions not stated): gnomAD exomes below 0.00001; TOPMed 0.00001.
gnomAD v4.1: 2 of 1,613,982 alleles (0.00012%); highest among the groups gnomAD compares: Non-Finnish European, 0.00017%; no homozygotes.

Submissions (4):

Labcorp Genetics (formerly Invitae), Labcorp
Classification: Likely benign for Familial adenomatous polyposis 1. Last evaluated: 2025-12-08. Review status: criteria provided, single submitter. Criteria: Invitae Variant Classification Sherloc (09022015). Collection method: clinical testing. Allele origin: germline.

Myriad Genetics, Inc.
Classification: Benign for Familial adenomatous polyposis 1. Last evaluated: 2024-03-01. Review status: criteria provided, single submitter. Criteria: Myriad Autosomal Dominant, Autosomal Recessive and X-Linked Classification Criteria (2023). Collection method: clinical testing. Allele origin: unknown.
Comment: This variant is considered benign. This variant is a silent/synonymous amino acid change and it is not expected to impact splicing.

Ambry Genetics
Classification: Likely benign for Hereditary cancer-predisposing syndrome. Last evaluated: 2019-10-17. Review status: criteria provided, single submitter. Criteria: Ambry Variant Classification Scheme 2023. Collection method: clinical testing. Allele origin: germline.

Color Diagnostics, LLC DBA Color Health
Classification: Likely benign for Hereditary cancer-predisposing syndrome. Last evaluated: 2018-04-19. Review status: criteria provided, single submitter. Criteria: ACMG Guidelines, 2015. Collection method: clinical testing. Allele origin: germline.